The following is an entry in ClinVar:

ClinVar aggregate classification (germline): Pathogenic. Review status: reviewed by expert panel (3 of 4 stars). 5 submissions from 5 submitters: Pathogenic (1). 4 of the submissions do not count toward it. Last evaluated 2016-10-18.

Conditions:
Hereditary cancer-predisposing syndrome. Also called: Hereditary Cancer Syndrome; Neoplastic Syndromes, Hereditary; Hereditary neoplastic syndrome; Tumor predisposition. Identifiers: Orphanet 140162, MedGen C0027672, MeSH D009386, MONDO:0015356.
Breast-ovarian cancer, familial, susceptibility to, 2 (BROVCA2). Also called: BRCA2 Hereditary Breast and Ovarian Cancer. Identifiers: Orphanet 145, MedGen C2675520, MONDO:0012933, OMIM 612555. Disease mechanism: loss of function.
Breast-ovarian cancer, familial, susceptibility to, 1 (BROVCA1). Also called: BRCA1 Hereditary Breast and Ovarian Cancer; OVARIAN CANCER, SUSCEPTIBILITY TO. Identifiers: Orphanet 145, MedGen C2676676, MONDO:0011450, OMIM 604370. Disease mechanism: loss of function.

Submissions (5):

Evidence-based Network for the Interpretation of Germline Mutant Alleles (ENIGMA)
Classification: Pathogenic for Breast-ovarian cancer, familial, susceptibility to, 2. Last evaluated: 2016-10-18. Review status: reviewed by expert panel. Criteria: ENIGMA BRCA1/2 Classification Criteria (2015). Collection method: curation. Allele origin: germline.
Comment: Variant allele predicted to encode a truncated non-functional protein.

Color Diagnostics, LLC DBA Color Health
Classification: Pathogenic for Hereditary cancer-predisposing syndrome. Last evaluated: 2024-02-20. Review status: criteria provided, single submitter. Criteria: ACMG Guidelines, 2015. Collection method: clinical testing. Allele origin: germline. Not counted in ClinVar's aggregate classification.
Comment: This variant deletes 1 nucleotide in exon 11 of the BRCA2 gene, creating a frameshift and premature translation stop signal. This variant is expected to result in an absent or non-functional protein product. To our knowledge, this variant has not been reported in individuals affected with BRCA2-related disorders in the literature. This variant has not been identified in the general population by the Genome Aggregation Database (gnomAD). Loss of BRCA2 function is a known mechanism of disease. Based on the available evidence, this variant is classified as Pathogenic.

Ambry Genetics
Classification: Pathogenic for Hereditary cancer-predisposing syndrome. Last evaluated: 2022-11-22. Review status: criteria provided, single submitter. Criteria: Ambry Variant Classification Scheme 2023. Collection method: clinical testing. Allele origin: germline. Not counted in ClinVar's aggregate classification.
Comment: The c.4530delC pathogenic mutation, located in coding exon 10 of the BRCA2 gene, results from a deletion of one nucleotide at nucleotide position 4530, causing a translational frameshift with a predicted alternate stop codon (p.E1511Nfs*32). This alteration is expected to result in loss of function by premature protein truncation or nonsense-mediated mRNA decay. As such, this alteration is interpreted as a disease-causing mutation.

Department of Molecular Diagnostics, Institute of Oncology Ljubljana
Classification: Pathogenic for Breast-ovarian cancer, familial, susceptibility to, 1. Last evaluated: 2020-04-02. Review status: criteria provided, single submitter. Criteria: ACMG Guidelines, 2015. Collection method: clinical testing. Allele origin: germline. Affected: yes. Not counted in ClinVar's aggregate classification.

Consortium of Investigators of Modifiers of BRCA1/2 (CIMBA), c/o University of Cambridge
Classification: Pathogenic for Breast-ovarian cancer, familial, susceptibility to, 2. Last evaluated: 2015-10-02. Review status: criteria provided, single submitter. Criteria: CIMBA Mutation Classification guidelines May 2016. Collection method: clinical testing. Allele origin: germline. Not counted in ClinVar's aggregate classification.

NM_000059.4(BRCA2):c.4530del (p.Glu1511fs)

Gene: BRCA2 (BRCA2 DNA repair associated; plus strand). Cytogenetic location: 13q13.1.
Variant type: Deletion.
Coding change: c.4530del on transcript NM_000059.4 (MANE Select); coding-DNA position 4530, one base deleted (C; older notation c.4530delC).
Protein change: p.Glu1511fs; shifts the reading frame from glutamic acid 1511.
Molecular consequence: frameshift variant.
Genome position (GRCh38, 1-based): chr13:32,338,885, C deleted; the last of 3 consecutive C bases (chr13:32,338,883-32,338,885); deleting any one gives the same sequence. VCF-style (leftmost placement, unchanged base first): chr13-32338882-AC-A. GRCh37 (hg19) VCF-style: chr13-32913019-AC-A.
Other names: 4758delC; c.4530delC (NM_000059.3); short protein forms E1511fs.
Identifiers: ClinVar variation 266819 (VCV000266819.12), dbSNP rs886040537, ClinGen allele CA10589266.